The following is an entry in ClinVar:

NM_002242.4(KCNJ13):c.1023C>G (p.Ile341Met)

Genes: GIGYF2 (GRB10 interacting GYF protein 2; plus strand), KCNJ13 (potassium inwardly rectifying channel subfamily J member 13; minus strand). Cytogenetic location: 2q37.1.
Variant type: single nucleotide variant.
Coding change: c.1023C>G on transcript NM_002242.4 (MANE Select); coding-DNA position 1023, C replaced by G.
Protein change: p.Ile341Met; replaces isoleucine 341 with methionine.
Molecular consequence: missense variant. On other transcripts: 3 prime UTR variant (1), intron variant (4).
Genome position (GRCh38, 1-based): chr2:232,768,251, G>C on the plus strand (C>G on the coding strand, the complement: KCNJ13 is on the minus strand). VCF-style: chr2-232768251-G-C. GRCh37 (hg19) VCF-style: chr2-233632961-G-C.
Other names: c.*502C>G (NM_001172416.1); c.783C>G, p.Ile261Met (NM_001172417.1); c.532+6815G>C (NM_001103146.3, NM_015575.4, NM_001103147.2 and 1 more transcripts); short protein forms I341M, I261M.
Identifiers: ClinVar variation 3653257 (VCV003653257.2).
Genomic context (GRCh38, chr2:232,768,251, plus strand): 5'-TTATTCTGTCAGTCCTGTTTCAGAGATCTGAAAATTGTCAATGCTTTGTCCATTGATGTG[G>C]ATATCCAGGTCAGTCCTGTTTGGGCTTTTAGAAACCAGAGGAGTTGGAAATTCAGGGACA-3'
Protein context (NP_002233.2, residues 331-351): SKSPNRTDLD[Ile341Met]HINGQSIDNF

ClinVar aggregate classification (germline): Uncertain significance (1 of 4 stars; one submission).

Submission:

Labcorp Genetics (formerly Invitae), Labcorp
Classification: Uncertain significance. Last evaluated: 2024-05-13. Review status: criteria provided, single submitter. Criteria: Invitae Variant Classification Sherloc (09022015). Collection method: clinical testing. Allele origin: germline.
Comment: This sequence change replaces isoleucine, which is neutral and non-polar, with methionine, which is neutral and non-polar, at codon 341 of the KCNJ13 protein (p.Ile341Met). This variant is not present in population databases (gnomAD no frequency). This variant has not been reported in the literature in individuals affected with KCNJ13-related conditions. An algorithm developed to predict the effect of missense changes on protein structure and function (PolyPhen-2) suggests that this variant is likely to be disruptive. In summary, the available evidence is currently insufficient to determine the role of this variant in disease. Therefore, it has been classified as a Variant of Uncertain Significance.